The following is an entry in ClinVar:

NM_001128.6(AP1G1):c.412C>T (p.Leu138Phe)

Gene: AP1G1 (adaptor related protein complex 1 subunit gamma 1; minus strand). Cytogenetic location: 16q22.2.
Variant type: single nucleotide variant.
Coding change: c.412C>T on transcript NM_001128.6 (MANE Select); coding-DNA position 412, C replaced by T.
Protein change: p.Leu138Phe; replaces leucine 138 with phenylalanine.
Molecular consequence: missense variant.
Genome position (GRCh38, 1-based): chr16:71,773,277, G>A on the plus strand (C>T on the coding strand, the complement: AP1G1 is on the minus strand). VCF-style: chr16-71773277-G-A. GRCh37 (hg19) VCF-style: chr16-71807180-G-A.
Other names: c.412C>T, p.Leu138Phe (NM_001030007.2); short protein forms L138F.
Identifiers: ClinVar variation 4292682 (VCV004292682.1).
Genomic context (GRCh38, chr16:71,773,277, plus strand): 5'-TTACCTTTTTTCTTAAGTAAGAGTTGGAGGTTTTCAGGAGCTTCTCTACCTCTCCTGCAA[G>A]ATCTCTGCACATCTCTGAGGAGCCCATGCAGCCGAGGGTACAAAGTGCTAACCCCTGTAC-3'
Protein context (NP_001119.3, residues 128-148): CMGSSEMCRD[Leu138Phe]AGEVEKLLKT

ClinVar aggregate classification (germline): Uncertain significance (1 of 4 stars; one submission).

Conditions:
Usmani-Riazuddin syndrome, autosomal dominant (USRISD). Identifiers: MedGen C5561952, MONDO:0859174, OMIM 619467.

Submission:

3billion
Classification: Uncertain significance for Usmani-Riazuddin syndrome, autosomal dominant. Last evaluated: 2024-11-25. Review status: criteria provided, single submitter. Criteria: ACMG Guidelines, 2015. Collection method: clinical testing. Allele origin: germline. Affected: yes.
Comment: The variant is not observed in the gnomAD v4.1.0 dataset. Predicted Consequence/Location: Missense variant In silico tool predictions suggest damaging effect of the variant on gene or gene product [3Cnet: 0.62 (>=0.6, sensitivity 0.72 and precision 0.9)]. Therefore, this variant is classified as VUS according to the recommendation of ACMG/AMP guideline.